The following is an entry in ClinVar:

NM_022765.4(MICAL1):c.2621T>C (p.Phe874Ser)

Gene: MICAL1 (microtubule associated monooxygenase, calponin and LIM domain containing 1; minus strand). Cytogenetic location: 6q21.
Variant type: single nucleotide variant.
Coding change: c.2621T>C on transcript NM_022765.4 (MANE Select); coding-DNA position 2621, T replaced by C.
Protein change: p.Phe874Ser; replaces phenylalanine 874 with serine.
Molecular consequence: missense variant.
Genome position (GRCh38, 1-based): chr6:109,445,823, A>G on the plus strand (T>C on the coding strand, the complement: MICAL1 is on the minus strand). VCF-style: chr6-109445823-A-G. GRCh37 (hg19) VCF-style: chr6-109767026-A-G.
Other names: c.2363T>C, p.Phe788Ser (NM_001159291.2); c.2678T>C, p.Phe893Ser (NM_001286613.2); short protein forms F874S, F788S, F893S.
Identifiers: ClinVar variation 2063410 (VCV002063410.5), dbSNP rs1219837301, ClinGen allele CA365222760.

ClinVar aggregate classification (germline): Conflicting classifications of pathogenicity. Review status: criteria provided, conflicting classifications (1 of 4 stars). 2 submissions from 2 submitters: Uncertain significance (1); Likely benign (1). Last evaluated 2026-01-11.

Allele frequency attached by ClinVar (database versions not stated): gnomAD exomes below 0.00001; TOPMed 0.00001.
gnomAD v4.1: 12 of 1,610,864 alleles (0.00074%); highest among the groups gnomAD compares: African/African-American, 0.0094%; no homozygotes.

Submissions (2):

Labcorp Genetics (formerly Invitae), Labcorp
Classification: Uncertain significance. Last evaluated: 2026-01-11. Review status: criteria provided, single submitter. Criteria: Invitae Variant Classification Sherloc (09022015). Collection method: clinical testing. Allele origin: germline.
Comment: This sequence change replaces phenylalanine, which is neutral and non-polar, with serine, which is neutral and polar, at codon 893 of the MICAL1 protein (p.Phe893Ser). The frequency data for this variant in the population databases is considered unreliable, as metrics indicate poor data quality at this position in the gnomAD database. This variant has not been reported in the literature in individuals affected with MICAL1-related conditions. ClinVar contains an entry for this variant (Variation ID: 2063410). An algorithm developed to predict the effect of missense changes on protein structure and function outputs the following: PolyPhen-2: "Benign". The serine amino acid residue is found in multiple mammalian species, which suggests that this missense change does not adversely affect protein function. In summary, the available evidence is currently insufficient to determine the role of this variant in disease. Therefore, it has been classified as a Variant of Uncertain Significance.

Ambry Genetics
Classification: Likely benign. Last evaluated: 2022-07-06. Review status: criteria provided, single submitter. Criteria: Ambry Variant Classification Scheme 2023. Collection method: clinical testing. Allele origin: germline.